The following is an entry in ClinVar:

ClinVar aggregate classification (germline): Uncertain significance (1 of 4 stars; one submission).

Conditions:
Imerslund-Grasbeck syndrome. Also called: Imerslund-Gräsbeck syndrome; Megaloblastic anemia due to inborn errors of metabolism; ENTEROCYTE COBALAMIN MALABSORPTION; ENTEROCYTE INTRINSIC FACTOR RECEPTOR, DEFECT OF; PERNICIOUS ANEMIA, JUVENILE, DUE TO SELECTIVE INTESTINAL MALABSORPTION OF VITAMIN B12, WITH PROTEINURIA. Identifiers: Orphanet 35858, MedGen C4551825, MONDO:0009853.

gnomAD v4.1: 18 of 1,613,982 alleles (0.0011%); highest among the groups gnomAD compares: Non-Finnish European, 0.0014%; no homozygotes.

Submission:

Labcorp Genetics (formerly Invitae), Labcorp
Classification: Uncertain significance for Imerslund-Grasbeck syndrome. Last evaluated: 2025-11-17. Review status: criteria provided, single submitter. Criteria: Invitae Variant Classification Sherloc (09022015). Collection method: clinical testing. Allele origin: germline.
Comment: This sequence change replaces arginine, which is basic and polar, with leucine, which is neutral and non-polar, at codon 1349 of the CUBN protein (p.Arg1349Leu). This variant is present in population databases (no rsID available, gnomAD 0.0009%). This variant has not been reported in the literature in individuals affected with CUBN-related conditions. Invitae Evidence Modeling of protein sequence and biophysical properties (such as structural, functional, and spatial information, amino acid conservation, physicochemical variation, residue mobility, and thermodynamic stability) has been performed for this missense variant. However, the output from this modeling did not meet the statistical confidence thresholds required to predict the impact of this variant on CUBN protein function. In summary, the available evidence is currently insufficient to determine the role of this variant in disease. Therefore, it has been classified as a Variant of Uncertain Significance.

NM_001081.4(CUBN):c.4046G>T (p.Arg1349Leu)

Gene: CUBN (cubilin; minus strand). Cytogenetic location: 10p13.
Variant type: single nucleotide variant.
Coding change: c.4046G>T on transcript NM_001081.4 (MANE Select); coding-DNA position 4046, G replaced by T.
Protein change: p.Arg1349Leu; replaces arginine 1349 with leucine.
Molecular consequence: missense variant.
Genome position (GRCh38, 1-based): chr10:17,019,955, C>A on the plus strand (G>T on the coding strand, the complement: CUBN is on the minus strand). VCF-style: chr10-17019955-C-A. GRCh37 (hg19) VCF-style: chr10-17061954-C-A.
Other names: short protein forms R1349L.
Identifiers: ClinVar variation 4707333 (VCV004707333.1).